The following is an entry in ClinVar:

ClinVar aggregate classification (germline): Uncertain significance. Review status: criteria provided, multiple submitters, no conflicts (2 of 4 stars). 2 submissions from 2 submitters: Uncertain significance (2). Last evaluated 2023-05-21.

Conditions:
Hereditary cancer-predisposing syndrome. Also called: Neoplastic Syndromes, Hereditary; Tumor predisposition; Hereditary Cancer Syndrome; Hereditary neoplastic syndrome. Identifiers: Orphanet 140162, MedGen C0027672, MeSH D009386, MONDO:0015356.
Familial adenomatous polyposis 1 (FAP1). Also called: FAMILIAL ADENOMATOUS POLYPOSIS 1, ATTENUATED; POLYPOSIS, ADENOMATOUS INTESTINAL. Identifiers: MedGen C2713442, MONDO:0021056, OMIM 175100. Disease mechanism: loss of function.

Submissions (2):

Labcorp Genetics (formerly Invitae), Labcorp
Classification: Uncertain significance for Familial adenomatous polyposis 1. Last evaluated: 2023-05-21. Review status: criteria provided, single submitter. Criteria: Invitae Variant Classification Sherloc (09022015). Collection method: clinical testing. Allele origin: germline.
Comment: Advanced modeling of protein sequence and biophysical properties (such as structural, functional, and spatial information, amino acid conservation, physicochemical variation, residue mobility, and thermodynamic stability) performed at Invitae indicates that this missense variant is not expected to disrupt APC protein function. This sequence change replaces alanine, which is neutral and non-polar, with glycine, which is neutral and non-polar, at codon 239 of the APC protein (p.Ala239Gly). This variant is not present in population databases (gnomAD no frequency). This variant has not been reported in the literature in individuals affected with APC-related conditions. ClinVar contains an entry for this variant (Variation ID: 923140). In summary, the available evidence is currently insufficient to determine the role of this variant in disease. Therefore, it has been classified as a Variant of Uncertain Significance.

Color Diagnostics, LLC DBA Color Health
Classification: Uncertain significance for Hereditary cancer-predisposing syndrome. Last evaluated: 2019-06-05. Review status: criteria provided, single submitter. Criteria: ACMG Guidelines, 2015. Collection method: clinical testing. Allele origin: germline.

NM_000038.6(APC):c.716C>G (p.Ala239Gly)

Gene: APC (APC regulator of Wnt signaling pathway; plus strand). Cytogenetic location: 5q22.2.
Variant type: single nucleotide variant.
Coding change: c.716C>G on transcript NM_000038.6 (MANE Select); coding-DNA position 716, C replaced by G.
Protein change: p.Ala239Gly; replaces alanine 239 with glycine.
Molecular consequence: missense variant. On other transcripts: 5 prime UTR variant (1), intron variant (2).
Genome position (GRCh38, 1-based): chr5:112,792,516, C>G. VCF-style: chr5-112792516-C-G. GRCh37 (hg19) VCF-style: chr5-112128213-C-G.
Other names: c.716C>G, p.Ala239Gly (NM_001127510.3, NM_001354895.2, NM_001354896.2 and 1 more transcripts); c.746C>G, p.Ala249Gly (NM_001354897.2, NM_001354902.2); c.641C>G, p.Ala214Gly (NM_001354898.2, NM_001354904.2); c.539C>G, p.Ala180Gly (NM_001354900.2, NM_001354901.2, NM_001354905.2); c.-320C>G (NM_001354906.2); c.676-8763C>G (NM_001127511.3); c.646-8763C>G (NM_001354899.2); short protein forms A249G, A214G, A180G, A239G.
Identifiers: ClinVar variation 923140 (VCV000923140.8), dbSNP rs1759741588, ClinGen allele CA16022899.